The following is an entry in ClinVar:

NC_000019.9:g.(?_30205794)_(30205836_?)del

Gene: C19orf12 (chromosome 19 open reading frame 12; minus strand). Cytogenetic location: 19q12.
Variant type: Deletion.
Identifiers: ClinVar variation 1682751 (VCV001682751.5).

ClinVar aggregate classification (germline): Uncertain significance (1 of 4 stars; one submission).

Conditions:
Hereditary spastic paraplegia 43. Also called: Spastic paraplegia 43, autosomal recessive. Identifiers: Orphanet 320370, MedGen C2680446, MONDO:0014024, OMIM 615043.

Submission:

Labcorp Genetics (formerly Invitae), Labcorp
Classification: Uncertain significance for Hereditary spastic paraplegia 43. Last evaluated: 2022-12-06. Review status: criteria provided, single submitter. Criteria: Invitae Variant Classification Sherloc (09022015). Collection method: clinical testing. Allele origin: germline.
Comment: In summary, the available evidence is currently insufficient to determine the role of this variant in disease. Therefore, it has been classified as a Variant of Uncertain Significance. Experimental studies and prediction algorithms are not available or were not evaluated, and the functional significance of this variant is currently unknown. This variant has not been reported in the literature in individuals affected with C19orf12-related conditions. This variant is a gross deletion of the genomic region encompassing exon(s) 1 of the C19orf12 gene, which includes the initiator codon. This deletion extends beyond the assayed region for this gene and therefore may encompass additional genes. It is expected to result in an absent or disrupted protein product. However, the current clinical and genetic evidence is not sufficient to establish whether loss-of-function variants in C19orf12 cause disease.